The following is an entry in ClinVar:

NM_001145809.2(MYH14):c.4796C>A (p.Ala1599Asp)

Gene: MYH14 (myosin heavy chain 14; plus strand). Cytogenetic location: 19q13.33.
Variant type: single nucleotide variant.
Coding change: c.4796C>A on transcript NM_001145809.2 (MANE Select); coding-DNA position 4796, C replaced by A.
Protein change: p.Ala1599Asp; replaces alanine 1599 with aspartic acid.
Molecular consequence: missense variant.
Genome position (GRCh38, 1-based): chr19:50,289,479, C>A. VCF-style: chr19-50289479-C-A. GRCh37 (hg19) VCF-style: chr19-50792736-C-A.
Other names: c.4697C>A, p.Ala1566Asp (NM_001077186.2); c.4673C>A, p.Ala1558Asp (NM_024729.4); short protein forms A1558D, A1566D, A1599D.
Identifiers: ClinVar variation 3365166 (VCV003365166.1).

ClinVar aggregate classification (germline): Uncertain significance (1 of 4 stars; one submission).

Submission:

GeneDx
Classification: Uncertain significance. Last evaluated: 2023-12-01. Review status: criteria provided, single submitter. Criteria: GeneDx Variant Classification Process June 2021. Collection method: clinical testing. Allele origin: germline. Affected: yes.
Comment: Not observed at significant frequency in large population cohorts (gnomAD); In silico analysis supports that this missense variant has a deleterious effect on protein structure/function; Has not been previously published as pathogenic or benign to our knowledge